The following is an entry in ClinVar:

ClinVar aggregate classification (germline): Uncertain significance. Review status: criteria provided, multiple submitters, no conflicts (2 of 4 stars). 3 submissions from 3 submitters: Uncertain significance (3). Last evaluated 2021-09-10.

Conditions:
Cardiovascular phenotype. Identifiers: MedGen CN230736.
Autosomal recessive limb-girdle muscular dystrophy type 2J (LGMDR10). Also called: Limb-girdle muscular dystrophy, type 2J; MUSCULAR DYSTROPHY, LIMB-GIRDLE, AUTOSOMAL RECESSIVE 10. Identifiers: Orphanet 140922, MedGen C1837342, MONDO:0012127, OMIM 608807.
Dilated cardiomyopathy 1G (CMD1G). Identifiers: Orphanet 154, MedGen C1858763, MONDO:0011400, OMIM 604145.
Myopathy, myofibrillar, 9, with early respiratory failure (MFM9). Also called: EDSTROM MYOPATHY; MYOPATHY, PROXIMAL, WITH EARLY RESPIRATORY MUSCLE INVOLVEMENT; Hereditary myopathy with early respiratory failure; Myopathy, distal, with early respiratory failure, autosomal dominant. Identifiers: Orphanet 178464, Orphanet 34521, MedGen C1863599, MONDO:0011362, OMIM 603689.
Hypertrophic cardiomyopathy 9. Also called: Familial hypertrophic cardiomyopathy 9. Identifiers: MedGen C1861065, MONDO:0013412, OMIM 613765.
Early-onset myopathy with fatal cardiomyopathy (CMYO5). Also called: Salih Myopathy; CONGENITAL MYOPATHY 5 WITH CARDIOMYOPATHY. Identifiers: Orphanet 289377, MedGen C2673677, MONDO:0012714, OMIM 611705. Disease mechanism: loss of function.
Tibial muscular dystrophy (TMD). Also called: UDD MYOPATHY; Tibial muscular dystrophy, tardive; Udd Distal Myopathy – Tibial Muscular Dystrophy. Identifiers: Orphanet 609, MedGen C1838244, MONDO:0010870, OMIM 600334.

Allele frequency attached by ClinVar (database versions not stated): gnomAD exomes below 0.00001; gnomAD 0.00001; TOPMed 0.00003.
gnomAD v4.1: 3 of 1,613,732 alleles (0.00019%); highest among the groups gnomAD compares: African/African-American, 0.004%; no homozygotes.

Submissions (3):

Fulgent Genetics
Classification: Uncertain significance for Tibial muscular dystrophy; Myopathy, myofibrillar, 9, with early respiratory failure; Dilated cardiomyopathy 1G; Autosomal recessive limb-girdle muscular dystrophy type 2J; Early-onset myopathy with fatal cardiomyopathy; Hypertrophic cardiomyopathy 9. Last evaluated: 2021-09-10. Review status: criteria provided, single submitter. Criteria: ACMG Guidelines, 2015. Collection method: clinical testing. Allele origin: unknown.

Ambry Genetics
Classification: Uncertain significance for Cardiovascular phenotype. Last evaluated: 2019-09-04. Review status: criteria provided, single submitter. Criteria: Ambry Variant Classification Scheme 2023. Collection method: clinical testing. Allele origin: germline.
Comment: The p.K23566I variant (also known as c.70697A>T), located in coding exon 178 of the TTN gene, results from an A to T substitution at nucleotide position 70697. The lysine at codon 23566 is replaced by isoleucine, an amino acid with dissimilar properties. This amino acid position is well conserved in available vertebrate species. In addition, this alteration is predicted to be tolerated by in silico analysis. Since supporting evidence is limited at this time, the clinical significance of this alteration remains unclear.

Labcorp Genetics (formerly Invitae), Labcorp
Classification: Uncertain significance for Dilated cardiomyopathy 1G; Autosomal recessive limb-girdle muscular dystrophy type 2J. Last evaluated: 2017-01-18. Review status: criteria provided, single submitter. Criteria: Invitae Variant Classification Sherloc (09022015). Collection method: clinical testing. Allele origin: germline.

NM_001267550.2(TTN):c.97892A>T (p.Lys32631Ile)

Genes: TTN (titin; minus strand), TTN-AS1 (TTN antisense RNA 1; plus strand). Cytogenetic location: 2q31.2.
Variant type: single nucleotide variant.
Coding change: c.97892A>T on transcript NM_001267550.2 (MANE Select); coding-DNA position 97892, A replaced by T.
Protein change: p.Lys32631Ile; replaces lysine 32631 with isoleucine.
Molecular consequence: missense variant.
Genome position (GRCh38, 1-based): chr2:178,540,274, T>A on the plus strand (A>T on the coding strand, the complement: TTN is on the minus strand). VCF-style: chr2-178540274-T-A. GRCh37 (hg19) VCF-style: chr2-179405001-T-A.
Other names: c.92969A>T, p.Lys30990Ile (NM_001256850.1); c.70697A>T, p.Lys23566Ile (NM_003319.4); c.90188A>T, p.Lys30063Ile (NM_133378.4); c.71072A>T, p.Lys23691Ile (NM_133432.3); c.71273A>T, p.Lys23758Ile (NM_133437.4); short protein forms K32631I, K30990I, K30063I, K23566I, K23691I, K23758I.
Identifiers: ClinVar variation 467698 (VCV000467698.6), dbSNP rs944963846, ClinGen allele CA60966099.
Genomic context (GRCh38, chr2:178,540,274, plus strand): 5'-TTACACTTGGTCCATTCATGTTGATCTACTTTTTGCATTTCAATCAAGTAGCCTGTGACT[T>A]TAGATCCTCCTTCATCTTCTGGAACACTCCAGGCCAGGGAGACTGATGTCCTTGTTGTAT-3'
Protein context (NP_001254479.2, residues 32621-32641): WSVPEDEGGS[Lys32631Ile]VTGYLIEMQK